The following is an entry in ClinVar:

ClinVar aggregate classification (germline): Uncertain significance (1 of 4 stars; one submission).

Conditions:
Arginase deficiency. Also called: ARGININEMIA; ARG1 DEFICIENCY; Arginase 1 Deficiency. Identifiers: Orphanet 90, MedGen C0268548, MONDO:0008814, OMIM 207800.

gnomAD v4.1: 24 of 1,613,860 alleles (0.0015%); highest among the groups gnomAD compares: African/African-American, 0.0027%; no homozygotes.

Submission:

Labcorp Genetics (formerly Invitae), Labcorp
Classification: Uncertain significance for Arginase deficiency. Last evaluated: 2022-07-12. Review status: criteria provided, single submitter. Criteria: Invitae Variant Classification Sherloc (09022015). Collection method: clinical testing. Allele origin: germline.
Comment: This sequence change replaces alanine, which is neutral and non-polar, with threonine, which is neutral and polar, at codon 3 of the ARG1 protein (p.Ala3Thr). This variant is present in population databases (rs558377642, gnomAD 0.004%). This variant has not been reported in the literature in individuals affected with ARG1-related conditions. ClinVar contains an entry for this variant (Variation ID: 1493188). Algorithms developed to predict the effect of missense changes on protein structure and function (SIFT, PolyPhen-2, Align-GVGD) all suggest that this variant is likely to be tolerated. In summary, the available evidence is currently insufficient to determine the role of this variant in disease. Therefore, it has been classified as a Variant of Uncertain Significance.

NM_000045.4(ARG1):c.7G>A (p.Ala3Thr)

Gene: ARG1 (arginase 1; plus strand). Cytogenetic location: 6q23.2.
Variant type: single nucleotide variant.
Coding change: c.7G>A on transcript NM_000045.4 (MANE Select); coding-DNA position 7, G replaced by A.
Protein change: p.Ala3Thr; replaces alanine 3 with threonine.
Molecular consequence: missense variant. On other transcripts: non-coding transcript variant (1).
Genome position (GRCh38, 1-based): chr6:131,573,289, G>A. VCF-style: chr6-131573289-G-A. GRCh37 (hg19) VCF-style: chr6-131894429-G-A.
Other names: c.7G>A, p.Ala3Thr (NM_001244438.2, NM_001369020.1); short protein forms A3T.
Identifiers: ClinVar variation 1493188 (VCV001493188.5), dbSNP rs558377642, ClinGen allele CA3999113.